The following is an entry in ClinVar:

ClinVar aggregate classification (germline): Likely benign. Review status: criteria provided, single submitter (1 of 4 stars). 2 submissions from 2 submitters: Likely benign (1). 1 of the submissions does not count toward it. Last evaluated 2025-08-03.

Allele frequency attached by ClinVar (database versions not stated): gnomAD below 0.00001 and 0.00013; TOPMed 0.00002; gnomAD exomes 0.00035; ExAC 0.00037; 1000 Genomes Project 0.00100; 1000 Genomes Project 30x 0.00109.

Submissions (2):

Labcorp Genetics (formerly Invitae), Labcorp
Classification: Likely benign. Last evaluated: 2025-08-03. Review status: criteria provided, single submitter. Criteria: Invitae Variant Classification Sherloc (09022015). Collection method: clinical testing. Allele origin: germline.

ITMI
No classification provided. Condition: AllHighlyPenetrant. Last evaluated: 2013-09-19. Review status: no classification provided. Collection method: reference population. Allele origin: germline. Not counted in ClinVar's aggregate classification.
Comment: Please see associated publication for description of ethnicities

Literature cited by the submitters: PubMed 24728327 (cited by ITMI).

NM_004448.4(ERBB2):c.93G>T (p.Met31Ile)

Gene: ERBB2 (erb-b2 receptor tyrosine kinase 2; plus strand). Cytogenetic location: 17q12.
Variant type: single nucleotide variant.
Coding change: c.93G>T on transcript NM_004448.4 (MANE Select); coding-DNA position 93, G replaced by T.
Protein change: p.Met31Ile; replaces methionine 31 with isoleucine.
Molecular consequence: missense variant. On other transcripts: initiator codon variant (4), non-coding transcript variant (1), intron variant (1).
Genome position (GRCh38, 1-based): chr17:39,707,009, G>T. VCF-style: chr17-39707009-G-T. GRCh37 (hg19) VCF-style: chr17-37863262-G-T.
Other names: c.3G>T, p.Met1Ile (NM_001005862.3, NM_001289938.2, NM_001382782.1 and 1 more transcripts); c.48G>T, p.Met16Ile (NM_001289936.2); c.93G>T, p.Met31Ile (NM_001289937.2, NM_001382784.1, NM_001382785.1 and 20 more transcripts); c.74-4919G>T (NM_001382804.1); short protein forms M1I, M31I, M16I.
Identifiers: ClinVar variation 134076 (VCV000134076.10), dbSNP rs546886845, ClinGen allele CA158619.